The following is an entry in ClinVar:

ClinVar aggregate classification (germline): Likely benign. Review status: criteria provided, multiple submitters, no conflicts (2 of 4 stars). 2 submissions from 2 submitters: Likely benign (2). Last evaluated 2023-03-23.

Allele frequency attached by ClinVar (database versions not stated): ExAC 0.00001; gnomAD 0.00001; TOPMed 0.00001.
gnomAD v4.1: 30 of 1,613,952 alleles (0.0019%); highest among the groups gnomAD compares: Non-Finnish European, 0.0023%; no homozygotes.

Submissions (2):

Labcorp Genetics (formerly Invitae), Labcorp
Classification: Likely benign. Last evaluated: 2023-03-23. Review status: criteria provided, single submitter. Criteria: Invitae Variant Classification Sherloc (09022015). Collection method: clinical testing. Allele origin: germline.

Laboratory for Molecular Medicine, Mass General Brigham Personalized Medicine
Classification: Likely benign. Last evaluated: 2017-08-23. Review status: criteria provided, single submitter. Criteria: LMM Criteria. Collection method: clinical testing. Allele origin: germline. Observed: 1 variant allele.
Comment: p.Thr457Thr in exon 14 of CDC14A: This variant is not expected to have clinical significance because it does not alter an amino acid residue and is not located within the splice consensus sequence. It has been identified in 1/8654 East Asia n chromosomes by the Exome Aggregation Consortium (ExAC; dbSNP rs751290983).

NM_003672.4(CDC14A):c.1371G>A (p.Thr457=)

Gene: CDC14A (cell division cycle 14A; plus strand). Cytogenetic location: 1p21.2.
Variant type: single nucleotide variant.
Coding change: c.1371G>A on transcript NM_003672.4 (MANE Select); coding-DNA position 1371, G replaced by A.
Protein change: p.Thr457=; no amino-acid change (threonine 457 retained).
Molecular consequence: synonymous variant.
Genome position (GRCh38, 1-based): chr1:100,498,157, G>A. VCF-style: chr1-100498157-G-A. GRCh37 (hg19) VCF-style: chr1-100963713-G-A.
Other names: c.1371G>A, p.Thr457= (NM_001319210.2, NM_033312.3); c.1197G>A, p.Thr399= (NM_001319211.2); c.492G>A, p.Thr164= (NM_001319212.2).
Identifiers: ClinVar variation 667085 (VCV000667085.7), dbSNP rs751290983, ClinGen allele CA970870.